The following is an entry in ClinVar:

ClinVar aggregate classification (germline): Benign (1 of 4 stars; one submission).

Allele frequency attached by ClinVar (database versions not stated): TOPMed 0.88944; gnomAD 0.89115 and 0.89322; 1000 Genomes Project 30x 0.89179; 1000 Genomes Project 0.89237.
gnomAD v4.1: 136,074 of 152,222 alleles (89%); highest among the groups gnomAD compares: Non-Finnish European, 93%; 61,058 homozygotes.

Submission:

GeneDx
Classification: Benign. Last evaluated: 2018-06-19. Review status: criteria provided, single submitter. Criteria: GeneDx Variant Classification (06012015). Collection method: clinical testing. Allele origin: germline. Affected: yes.
Comment: This variant is considered likely benign or benign based on one or more of the following criteria: it is a conservative change, it occurs at a poorly conserved position in the protein, it is predicted to be benign by multiple in silico algorithms, and/or has population frequency not consistent with disease.

NM_000430.4(PAFAH1B1):c.568+233C>T

Gene: PAFAH1B1 (platelet activating factor acetylhydrolase 1b regulatory subunit 1; plus strand). Cytogenetic location: 17p13.3.
Variant type: single nucleotide variant.
Coding change: c.568+233C>T on transcript NM_000430.4 (MANE Select); 233 bases into the intron after coding-DNA position 568, C replaced by T.
Molecular consequence: intron variant.
Genome position (GRCh38, 1-based): chr17:2,670,564, C>T. VCF-style: chr17-2670564-C-T. GRCh37 (hg19) VCF-style: chr17-2573858-C-T.
Identifiers: ClinVar variation 667794 (VCV000667794.1), dbSNP rs3213697, ClinGen allele CA15896649.